The following is an entry in ClinVar:

NM_000218.3(KCNQ1):c.1783G>A (p.Val595Ile)

Gene: KCNQ1 (potassium voltage-gated channel subfamily Q member 1; plus strand). Cytogenetic location: 11p15.5.
Variant type: single nucleotide variant.
Coding change: c.1783G>A on transcript NM_000218.3 (MANE Select); coding-DNA position 1783, G replaced by A.
Protein change: p.Val595Ile; replaces valine 595 with isoleucine.
Molecular consequence: missense variant.
Genome position (GRCh38, 1-based): chr11:2,778,026, G>A. VCF-style: chr11-2778026-G-A. GRCh37 (hg19) VCF-style: chr11-2799256-G-A.
Other names: c.1687G>A, p.Val563Ile (NM_001406836.1); c.1513G>A, p.Val505Ile (NM_001406837.1); c.1243G>A, p.Val415Ile (NM_001406838.1); c.295G>A, p.Val99Ile (NM_001406839.1); c.1402G>A, p.Val468Ile (NM_181798.2); short protein forms V415I, V468I, V563I, V505I, V595I, V99I.
Identifiers: ClinVar variation 2981292 (VCV002981292.4), dbSNP rs748331705, ClinGen allele CA379139779.

ClinVar aggregate classification (germline): Uncertain significance. Review status: criteria provided, multiple submitters, no conflicts (2 of 4 stars). 2 submissions from 2 submitters: Uncertain significance (2). Last evaluated 2026-02-27.

Conditions:
Cardiovascular phenotype. Identifiers: MedGen CN230736.
Long QT syndrome (LQTS). Identifiers: MedGen C0023976, MeSH D008133, MONDO:0002442. Disease mechanism: loss of function. Inheritance: Various modes of inheritance.

Allele frequency attached by ClinVar (database versions not stated): gnomAD exomes below 0.00001.
gnomAD v4.1: 1 of 1,613,764 alleles (0.000062%); highest among the groups gnomAD compares: Non-Finnish European, 0.000085%; no homozygotes.

Submissions (2):

Ambry Genetics
Classification: Uncertain significance for Cardiovascular phenotype. Last evaluated: 2026-02-27. Review status: criteria provided, single submitter. Criteria: Ambry Variant Classification Scheme 2023. Collection method: clinical testing. Allele origin: germline.

Labcorp Genetics (formerly Invitae), Labcorp
Classification: Uncertain significance for Long QT syndrome. Last evaluated: 2023-09-24. Review status: criteria provided, single submitter. Criteria: Invitae Variant Classification Sherloc (09022015). Collection method: clinical testing. Allele origin: germline.
Comment: In summary, the available evidence is currently insufficient to determine the role of this variant in disease. Therefore, it has been classified as a Variant of Uncertain Significance. Advanced modeling of protein sequence and biophysical properties (such as structural, functional, and spatial information, amino acid conservation, physicochemical variation, residue mobility, and thermodynamic stability) has been performed at Invitae for this missense variant, however the output from this modeling did not meet the statistical confidence thresholds required to predict the impact of this variant on KCNQ1 protein function. This variant has not been reported in the literature in individuals affected with KCNQ1-related conditions. This variant is not present in population databases (gnomAD no frequency). This sequence change replaces valine, which is neutral and non-polar, with isoleucine, which is neutral and non-polar, at codon 595 of the KCNQ1 protein (p.Val595Ile).